The following is an entry in ClinVar:

ClinVar aggregate classification (germline): Likely benign (1 of 4 stars; one submission).

Allele frequency attached by ClinVar (database versions not stated): gnomAD exomes below 0.00001.
gnomAD v4.1: 1 of 1,177,437 alleles (0.000085%); highest among the groups gnomAD compares: Non-Finnish European, 0.00011%; no homozygotes.

Submission:

Women's Health and Genetics/Laboratory Corporation of America, LabCorp
Classification: Likely benign. Last evaluated: 2024-03-01. Review status: criteria provided, single submitter. Criteria: LabCorp Variant Classification Summary - May 2015. Collection method: clinical testing. Allele origin: germline.
Comment: Variant summary: DDX3X c.1315+17T>C alters a non-conserved nucleotide located at a position not widely known to affect splicing. Consensus agreement among computation tools predict no significant impact on normal splicing. However, these predictions have yet to be confirmed by functional studies. The variant was absent in 165443 control chromosomes. The available data on variant occurrences in the general population are insufficient to allow any conclusion about variant significance. To our knowledge, no occurrence of c.1315+17T>C in individuals affected with X-Linked Intellectual Disability 102 and no experimental evidence demonstrating its impact on protein function have been reported. No submitters have cited clinical-significance assessments for this variant to ClinVar. Based on the evidence outlined above, the variant was classified as likely benign.

NM_001356.5(DDX3X):c.1315+17T>C

Gene: DDX3X (DEAD-box helicase 3 X-linked; plus strand). Cytogenetic location: Xp11.4.
Variant type: single nucleotide variant.
Coding change: c.1315+17T>C on transcript NM_001356.5 (MANE Select); 17 bases into the intron after coding-DNA position 1315, T replaced by C.
Molecular consequence: intron variant.
Genome position (GRCh38, 1-based): chrX:41,345,565, T>C. VCF-style: chrX-41345565-T-C. GRCh37 (hg19) VCF-style: chrX-41204818-T-C.
Other names: c.1315+17T>C (NM_001193416.3); c.1267+17T>C (NM_001193417.3); c.757+17T>C (NM_001363819.1).
Identifiers: ClinVar variation 3233717 (VCV003233717.2), dbSNP rs2519519956, ClinGen allele CA2693488128.
Genomic context (GRCh38, chrX:41,345,565, plus strand): 5'-ATCAGACAAACGGTCATTTCTGCTTGACCTCCTAAATGCAACAGGTAACATTATGAATTT[T>C]TTATTTTATTAGACATGGGGGTTTCTCTTTGTTGCCCAGGCTGGAGTGCAGGGGTTATTC-3'